The following is an entry in ClinVar:

NM_001035.3(RYR2):c.12043A>C (p.Lys4015Gln)

Gene: RYR2 (ryanodine receptor 2; plus strand). Cytogenetic location: 1q43.
Variant type: single nucleotide variant.
Coding change: c.12043A>C on transcript NM_001035.3 (MANE Select); coding-DNA position 12043, A replaced by C.
Protein change: p.Lys4015Gln; replaces lysine 4015 with glutamine.
Molecular consequence: missense variant.
Genome position (GRCh38, 1-based): chr1:237,783,755, A>C. VCF-style: chr1-237783755-A-C. GRCh37 (hg19) VCF-style: chr1-237947055-A-C.
Other names: short protein forms K4015Q.
Identifiers: ClinVar variation 3074585 (VCV003074585.1), dbSNP rs1158136644, ClinGen allele CA345411960.

ClinVar aggregate classification (germline): Uncertain significance (1 of 4 stars; one submission).

Conditions:
Catecholaminergic polymorphic ventricular tachycardia (CVPT). Also called: Catecholamine-induced polymorphic ventricular tachycardia. Identifiers: Orphanet 3286, MedGen C5574922, MONDO:0017990.

Submission:

All of Us Research Program, National Institutes of Health
Classification: Uncertain significance for Catecholaminergic polymorphic ventricular tachycardia. Last evaluated: 2023-12-01. Review status: criteria provided, single submitter. Criteria: ACMG Guidelines, 2015. Collection method: clinical testing. Allele origin: germline. Inheritance: Autosomal dominant inheritance. Observed: 1 variant allele, 1 heterozygote.
Comment: This study involves interpretation of variants in research participants for the purpose of population health screening. Participant phenotype was not available at the time of variant classification. Additional details can be found in publication PMID: 35346344, PMCID: PMC8962531